The following is an entry in ClinVar:

NM_001655.5(ARCN1):c.1112A>C (p.Glu371Ala)

Gene: ARCN1 (archain 1 coat protein complex I subunit delta; plus strand). Cytogenetic location: 11q23.3.
Variant type: single nucleotide variant.
Coding change: c.1112A>C on transcript NM_001655.5 (MANE Select); coding-DNA position 1112, A replaced by C.
Protein change: p.Glu371Ala; replaces glutamic acid 371 with alanine.
Molecular consequence: missense variant.
Genome position (GRCh38, 1-based): chr11:118,592,836, A>C. VCF-style: chr11-118592836-A-C. GRCh37 (hg19) VCF-style: chr11-118463551-A-C.
Other names: c.848A>C, p.Glu283Ala (NM_001142281.2, NM_001425081.1); c.1112A>C, p.Glu371Ala (NM_001425073.1, NM_001425078.1); c.1109A>C, p.Glu370Ala (NM_001425074.1, NM_001425079.1); c.1055A>C, p.Glu352Ala (NM_001425075.1); c.1043A>C, p.Glu348Ala (NM_001425076.1); c.947A>C, p.Glu316Ala (NM_001425077.1); c.668A>C, p.Glu223Ala (NM_001425080.1); short protein forms E348A, E223A, E352A, E370A, E283A, E316A, E371A.
Identifiers: ClinVar variation 2800347 (VCV002800347.3), dbSNP rs1938942940, ClinGen allele CA382813197.

ClinVar aggregate classification (germline): Uncertain significance (1 of 4 stars; one submission).

Allele frequency attached by ClinVar (database versions not stated): gnomAD exomes 0.00001.

Submission:

Labcorp Genetics (formerly Invitae), Labcorp
Classification: Uncertain significance. Last evaluated: 2024-01-09. Review status: criteria provided, single submitter. Criteria: Invitae Variant Classification Sherloc (09022015). Collection method: clinical testing. Allele origin: germline.
Comment: This sequence change replaces glutamic acid, which is acidic and polar, with alanine, which is neutral and non-polar, at codon 371 of the ARCN1 protein (p.Glu371Ala). This variant is not present in population databases (gnomAD no frequency). This variant has not been reported in the literature in individuals affected with ARCN1-related conditions. An algorithm developed to predict the effect of missense changes on protein structure and function (PolyPhen-2) suggests that this variant is likely to be disruptive. In summary, the available evidence is currently insufficient to determine the role of this variant in disease. Therefore, it has been classified as a Variant of Uncertain Significance.